The following is an entry in ClinVar:

NM_031421.5(ODAD4):c.310T>C (p.Tyr104His)

Gene: ODAD4 (outer dynein arm docking complex subunit 4; plus strand). Cytogenetic location: 17q21.2.
Variant type: single nucleotide variant.
Coding change: c.310T>C on transcript NM_031421.5 (MANE Select); coding-DNA position 310, T replaced by C.
Protein change: p.Tyr104His; replaces tyrosine 104 with histidine.
Molecular consequence: missense variant. On other transcripts: non-coding transcript variant (1).
Genome position (GRCh38, 1-based): chr17:41,935,662, T>C. VCF-style: chr17-41935662-T-C. GRCh37 (hg19) VCF-style: chr17-40091915-T-C.
Other names: c.310T>C, p.Tyr104His (NM_001350319.2); c.310T>C (NM_031421.2); short protein forms Y104H.
Identifiers: ClinVar variation 3045956 (VCV003045956.3), dbSNP rs75504508, ClinGen allele CA8568960.

ClinVar aggregate classification (germline): Uncertain significance. Review status: criteria provided, single submitter (1 of 4 stars). 2 submissions from 2 submitters: Uncertain significance (1). 1 of the submissions does not count toward it. Last evaluated 2026-01-09.

Conditions:
ODAD4-related disorder. Also called: ODAD4-related condition.
Inborn genetic diseases. Identifiers: MedGen C0950123, MeSH D030342.

Allele frequency attached by ClinVar (database versions not stated): gnomAD exomes 0.00015; ExAC 0.00063; gnomAD 0.00164; TOPMed 0.00178; ESP Exome Variant Server 0.00223; 1000 Genomes Project 0.00260; 1000 Genomes Project 30x 0.00281.

Submissions (2):

Ambry Genetics
Classification: Uncertain significance for Inborn genetic diseases. Last evaluated: 2026-01-09. Review status: criteria provided, single submitter. Criteria: Ambry Variant Classification Scheme 2023. Collection method: clinical testing. Allele origin: germline.

PreventionGenetics, part of Exact Sciences
Classification: Likely benign for ODAD4-related condition. Last evaluated: 2020-01-13. Review status: no assertion criteria provided. Collection method: clinical testing. Allele origin: germline. Not counted in ClinVar's aggregate classification.
Comment: This variant is classified as likely benign based on ACMG/AMP sequence variant interpretation guidelines (Richards et al. 2015 PMID: 25741868, with internal and published modifications).